The following is an entry in ClinVar:

NM_002691.4(POLD1):c.20C>A (p.Pro7Gln)

Gene: POLD1 (DNA polymerase delta 1, catalytic subunit; plus strand). Cytogenetic location: 19q13.33.
Variant type: single nucleotide variant.
Coding change: c.20C>A on transcript NM_002691.4 (MANE Select); coding-DNA position 20, C replaced by A.
Protein change: p.Pro7Gln; replaces proline 7 with glutamine.
Molecular consequence: missense variant. On other transcripts: non-coding transcript variant (1).
Genome position (GRCh38, 1-based): chr19:50,398,871, C>A. VCF-style: chr19-50398871-C-A. GRCh37 (hg19) VCF-style: chr19-50902128-C-A.
Other names: c.20C>A, p.Pro7Gln (NM_001256849.1, NM_001308632.1); c.20C>A (NM_002691.2); short protein forms P7Q.
Identifiers: ClinVar variation 841189 (VCV000841189.11), dbSNP rs2038469040, ClinGen allele CA406969988.

ClinVar aggregate classification (germline): Conflicting classifications of pathogenicity. Review status: criteria provided, conflicting classifications (1 of 4 stars). 2 submissions from 2 submitters: Uncertain significance (1); Likely benign (1). Last evaluated 2025-03-27.

Conditions:
Hereditary cancer-predisposing syndrome. Also called: Tumor predisposition; Hereditary Cancer Syndrome; Hereditary neoplastic syndrome; Neoplastic Syndromes, Hereditary. Identifiers: Orphanet 140162, MedGen C0027672, MeSH D009386, MONDO:0015356.
POLD1-related polyposis and colorectal cancer syndrome (CRCS10). Also called: Colorectal cancer 10; COLORECTAL CANCER, SUSCEPTIBILITY TO, ON CHROMOSOME 19q; Colorectal cancer, susceptibility to, 10. Identifiers: Orphanet 220460, MedGen C2675481, MONDO:0012953, OMIM 612591.

Allele frequency attached by ClinVar (database versions not stated): gnomAD exomes below 0.00001.
gnomAD v4.1: 2 of 1,608,472 alleles (0.00012%); highest among the groups gnomAD compares: Non-Finnish European, 0.00017%; no homozygotes.

Submissions (2):

Ambry Genetics
Classification: Likely benign for Hereditary cancer-predisposing syndrome. Last evaluated: 2025-03-27. Review status: criteria provided, single submitter. Criteria: Ambry Variant Classification Scheme 2023. Collection method: clinical testing. Allele origin: germline.

Labcorp Genetics (formerly Invitae), Labcorp
Classification: Uncertain significance for POLD1-related polyposis and colorectal cancer syndrome. Last evaluated: 2023-12-01. Review status: criteria provided, single submitter. Criteria: Invitae Variant Classification Sherloc (09022015). Collection method: clinical testing. Allele origin: germline.
Comment: This sequence change replaces proline, which is neutral and non-polar, with glutamine, which is neutral and polar, at codon 7 of the POLD1 protein (p.Pro7Gln). This variant is not present in population databases (gnomAD no frequency). This variant has not been reported in the literature in individuals affected with POLD1-related conditions. ClinVar contains an entry for this variant (Variation ID: 841189). Algorithms developed to predict the effect of missense changes on protein structure and function output the following: SIFT: "Not Available"; PolyPhen-2: "Not Available"; Align-GVGD: "Not Available". The glutamine amino acid residue is found in multiple mammalian species, which suggests that this missense change does not adversely affect protein function. In summary, the available evidence is currently insufficient to determine the role of this variant in disease. Therefore, it has been classified as a Variant of Uncertain Significance.